The following is an entry in ClinVar:

ClinVar aggregate classification (germline): Benign. Review status: criteria provided, multiple submitters, no conflicts (2 of 4 stars). 9 submissions from 9 submitters: Benign (7). 2 of the submissions do not count toward it. Last evaluated 2026-02-04.

Conditions:
Microcephaly 1, primary, autosomal recessive (MCPH1). Also called: PREMATURE CHROMOSOME CONDENSATION SYNDROME; PCC SYNDROME; PREMATURE CHROMOSOME CONDENSATION WITH MICROCEPHALY AND MENTAL RETARDATION. Identifiers: Orphanet 2512, MedGen C1855081, MONDO:0009617, OMIM 251200.

Allele frequency attached by ClinVar (database versions not stated): 1000 Genomes Project 0.08806; gnomAD exomes 0.01985 and 0.04313; ESP Exome Variant Server 0.02053; gnomAD 0.02943 and 0.03372; TOPMed 0.03129; ExAC 0.04363; 1000 Genomes Project 30x 0.08276.
gnomAD v4.1: 34,790 of 1,614,150 alleles (2.2%); highest among the groups gnomAD compares: East Asian, 20%; 1,801 homozygotes.

Submissions 1 to 31 of 109:

Labcorp Genetics (formerly Invitae), Labcorp
Classification: Benign. Last evaluated: 2026-02-04. Review status: criteria provided, single submitter. Criteria: Invitae Variant Classification Sherloc (09022015). Collection method: clinical testing. Allele origin: germline.

Blueprint Genetics
Classification: Benign. Last evaluated: 2024-11-27. Review status: criteria provided, single submitter. Criteria: ACMG Guidelines, 2015. Collection method: clinical testing. Allele origin: germline.

Illumina Laboratory Services, Illumina
Classification: Benign for Microcephaly 1, primary, autosomal recessive. Last evaluated: 2018-01-12. Review status: criteria provided, single submitter. Criteria: ICSL Variant Classification Criteria 13 December 2019. Collection method: clinical testing. Allele origin: germline.
Comment: This variant was observed in the ICSL laboratory as part of a predisposition screen in an ostensibly healthy population. It had not been previously curated by ICSL or reported in the Human Gene Mutation Database (HGMD: prior to June 1st, 2018), and was therefore a candidate for classification through an automated scoring system. Utilizing variant allele frequency, disease prevalence and penetrance estimates, and inheritance mode, an automated score was calculated to assess if this variant is too frequent to cause the disease. Based on the score and internal cut-off values, a variant classified as benign is not then subjected to further curation. The score for this variant resulted in a classification of benign for this disease.

GeneDx
Classification: Benign. Last evaluated: 2015-03-03. Review status: criteria provided, single submitter. Criteria: GeneDx Variant Classification Process June 2021. Collection method: clinical testing. Allele origin: germline. Affected: yes.

Genetic Services Laboratory, University of Chicago
Classification: Benign. Last evaluated: 2013-02-08. Review status: criteria provided, single submitter. Criteria: ACMG Guidelines, 2007. Collection method: clinical testing. Allele origin: germline. Inheritance: Autosomal recessive inheritance.

Breakthrough Genomics
Classification: Benign. Review status: criteria provided, single submitter. Criteria: ACMG Guidelines, 2015. Collection method: not provided. Allele origin: germline. Inheritance: Autosomal recessive inheritance. Affected: yes.

PreventionGenetics, part of Exact Sciences
Classification: Benign. Review status: criteria provided, single submitter. Criteria: ACMG Guidelines, 2015. Collection method: clinical testing. Allele origin: germline.

Clinical Genetics DNA and cytogenetics Diagnostics Lab, Erasmus MC, Erasmus Medical Center
Classification: Likely benign. Review status: no assertion criteria provided. Collection method: clinical testing. Allele origin: germline. Affected: yes. Study: VKGL Data-share Consensus. Not counted in ClinVar's aggregate classification.

Dr. Peter K. Rogan Lab, Western University
No classification provided (evidence only). Condition: Lung cancer. Review status: no classification provided. Collection method: in vitro. Allele origin: not applicable. Functional consequence: retained intron. Not counted in ClinVar's aggregate classification.

Dr. Peter K. Rogan Lab, Western University
No classification provided (evidence only). Condition: Lung cancer. Review status: no classification provided. Collection method: in vitro. Allele origin: not applicable. Functional consequence: retained intron. Not counted in ClinVar's aggregate classification.

Dr. Peter K. Rogan Lab, Western University
No classification provided (evidence only). Condition: Lung cancer. Review status: no classification provided. Collection method: in vitro. Allele origin: not applicable. Functional consequence: retained intron. Not counted in ClinVar's aggregate classification.

Dr. Peter K. Rogan Lab, Western University
No classification provided (evidence only). Condition: Lung cancer. Review status: no classification provided. Collection method: in vitro. Allele origin: not applicable. Functional consequence: retained intron. Not counted in ClinVar's aggregate classification.

Dr. Peter K. Rogan Lab, Western University
No classification provided (evidence only). Condition: Lung cancer. Review status: no classification provided. Collection method: in vitro. Allele origin: not applicable. Functional consequence: retained intron. Not counted in ClinVar's aggregate classification.

Dr. Peter K. Rogan Lab, Western University
No classification provided (evidence only). Condition: Lung cancer. Review status: no classification provided. Collection method: in vitro. Allele origin: not applicable. Functional consequence: retained intron. Not counted in ClinVar's aggregate classification.

Dr. Peter K. Rogan Lab, Western University
No classification provided (evidence only). Condition: Lung cancer. Review status: no classification provided. Collection method: in vitro. Allele origin: not applicable. Functional consequence: retained intron. Not counted in ClinVar's aggregate classification.

Dr. Peter K. Rogan Lab, Western University
No classification provided (evidence only). Condition: Lung cancer. Review status: no classification provided. Collection method: in vitro. Allele origin: not applicable. Functional consequence: retained intron. Not counted in ClinVar's aggregate classification.

Dr. Peter K. Rogan Lab, Western University
No classification provided (evidence only). Condition: Lung cancer. Review status: no classification provided. Collection method: in vitro. Allele origin: not applicable. Functional consequence: retained intron. Not counted in ClinVar's aggregate classification.

Dr. Peter K. Rogan Lab, Western University
No classification provided (evidence only). Condition: Melanoma. Review status: no classification provided. Collection method: in vitro. Allele origin: not applicable. Functional consequence: retained intron. Not counted in ClinVar's aggregate classification.

Dr. Peter K. Rogan Lab, Western University
No classification provided (evidence only). Condition: Melanoma. Review status: no classification provided. Collection method: in vitro. Allele origin: not applicable. Functional consequence: retained intron. Not counted in ClinVar's aggregate classification.

Dr. Peter K. Rogan Lab, Western University
No classification provided (evidence only). Condition: Melanoma. Review status: no classification provided. Collection method: in vitro. Allele origin: not applicable. Functional consequence: retained intron. Not counted in ClinVar's aggregate classification.

Dr. Peter K. Rogan Lab, Western University
No classification provided (evidence only). Condition: Acute myeloid leukemia. Review status: no classification provided. Collection method: in vitro. Allele origin: not applicable. Functional consequence: retained intron. Not counted in ClinVar's aggregate classification.

Dr. Peter K. Rogan Lab, Western University
No classification provided (evidence only). Condition: Acute myeloid leukemia. Review status: no classification provided. Collection method: in vitro. Allele origin: not applicable. Functional consequence: retained intron. Not counted in ClinVar's aggregate classification.

Dr. Peter K. Rogan Lab, Western University
No classification provided (evidence only). Condition: Acute myeloid leukemia. Review status: no classification provided. Collection method: in vitro. Allele origin: not applicable. Functional consequence: retained intron. Not counted in ClinVar's aggregate classification.

Dr. Peter K. Rogan Lab, Western University
No classification provided (evidence only). Condition: Acute myeloid leukemia. Review status: no classification provided. Collection method: in vitro. Allele origin: not applicable. Functional consequence: retained intron. Not counted in ClinVar's aggregate classification.

Dr. Peter K. Rogan Lab, Western University
No classification provided (evidence only). Condition: Colon adenocarcinoma. Review status: no classification provided. Collection method: in vitro. Allele origin: not applicable. Functional consequence: retained intron. Not counted in ClinVar's aggregate classification.

Dr. Peter K. Rogan Lab, Western University
No classification provided (evidence only). Condition: Colon adenocarcinoma. Review status: no classification provided. Collection method: in vitro. Allele origin: not applicable. Functional consequence: retained intron. Not counted in ClinVar's aggregate classification.

Dr. Peter K. Rogan Lab, Western University
No classification provided (evidence only). Condition: Colon adenocarcinoma. Review status: no classification provided. Collection method: in vitro. Allele origin: not applicable. Functional consequence: retained intron. Not counted in ClinVar's aggregate classification.

Dr. Peter K. Rogan Lab, Western University
No classification provided (evidence only). Condition: Colon adenocarcinoma. Review status: no classification provided. Collection method: in vitro. Allele origin: not applicable. Functional consequence: retained intron. Not counted in ClinVar's aggregate classification.

Dr. Peter K. Rogan Lab, Western University
No classification provided (evidence only). Condition: Colon adenocarcinoma. Review status: no classification provided. Collection method: in vitro. Allele origin: not applicable. Functional consequence: retained intron. Not counted in ClinVar's aggregate classification.

Dr. Peter K. Rogan Lab, Western University
No classification provided (evidence only). Condition: Colon adenocarcinoma. Review status: no classification provided. Collection method: in vitro. Allele origin: not applicable. Functional consequence: retained intron. Not counted in ClinVar's aggregate classification.

Dr. Peter K. Rogan Lab, Western University
No classification provided (evidence only). Condition: Colon adenocarcinoma. Review status: no classification provided. Collection method: in vitro. Allele origin: not applicable. Functional consequence: retained intron. Not counted in ClinVar's aggregate classification.

NM_024596.5(MCPH1):c.1728C>T (p.Gly576=)

Gene: MCPH1 (microcephalin 1; plus strand). Cytogenetic location: 8p23.1.
Variant type: single nucleotide variant.
Coding change: c.1728C>T on transcript NM_024596.5 (MANE Select); coding-DNA position 1728, C replaced by T.
Protein change: p.Gly576=; no amino-acid change (glycine 576 retained).
Molecular consequence: synonymous variant. On other transcripts: non-coding transcript variant (1).
Genome position (GRCh38, 1-based): chr8:6,445,450, C>T. VCF-style: chr8-6445450-C-T. GRCh37 (hg19) VCF-style: chr8-6302971-C-T.
Other names: c.1728C>T, p.Gly576= (NM_001172574.2, NM_001322042.2, NM_001363979.1 and 1 more transcripts); c.1584C>T, p.Gly528= (NM_001172575.2); c.1722C>T, p.Gly574= (NM_001322043.2); c.1626C>T, p.Gly542= (NM_001322045.2).
Identifiers: ClinVar variation 158825 (VCV000158825.25), dbSNP rs41313954, ClinGen allele CA172491.